The following is an entry in ClinVar:

NM_000059.4(BRCA2):c.2101T>C (p.Phe701Leu)

Gene: BRCA2 (BRCA2 DNA repair associated; plus strand). Cytogenetic location: 13q13.1.
Variant type: single nucleotide variant.
Coding change: c.2101T>C on transcript NM_000059.4 (MANE Select); coding-DNA position 2101, T replaced by C.
Protein change: p.Phe701Leu; replaces phenylalanine 701 with leucine.
Molecular consequence: missense variant.
Genome position (GRCh38, 1-based): chr13:32,336,456, T>C. VCF-style: chr13-32336456-T-C. GRCh37 (hg19) VCF-style: chr13-32910593-T-C.
Other names: c.2101T>C, p.Phe701Leu (NM_001406719.1, NM_001406720.1); short protein forms F701L.
Identifiers: ClinVar variation 2000860 (VCV002000860.6), dbSNP rs2137483299, ClinGen allele CA387769911.
Genomic context (GRCh38, chr13:32,336,456, plus strand): 5'-GTAATCTCTCAGGATCTTGATTATAAAGAAGCAAAATGTAATAAGGAAAAACTACAGTTA[T>C]TTATTACCCCAGAAGCTGATTCTCTGTCATGCCTGCAGGAAGGACAGTGTGAAAATGATC-3'
Protein context (NP_000050.3, residues 691-711): AKCNKEKLQL[Phe701Leu]ITPEADSLSC

ClinVar aggregate classification (germline): Conflicting classifications of pathogenicity. Review status: criteria provided, conflicting classifications (1 of 4 stars). 2 submissions from 2 submitters: Uncertain significance (1); Likely benign (1). Last evaluated 2024-09-05.

Conditions:
Hereditary breast ovarian cancer syndrome. Also called: Breast and ovarian cancer; Hereditary breast and ovarian cancer syndrome; BRCA1- and BRCA2-Associated Hereditary Breast and Ovarian Cancer; Hereditary breast and ovarian cancer syndrome (HBOC); Hereditary breast and/or ovarian cancer syndrome; Hereditary breast and ovarian cancer. Identifiers: Orphanet 145, MedGen C0677776, MeSH D061325, MONDO:0003582. Disease mechanism: loss of function.
Hereditary cancer-predisposing syndrome. Also called: Neoplastic Syndromes, Hereditary; Hereditary neoplastic syndrome; Tumor predisposition; Hereditary Cancer Syndrome. Identifiers: Orphanet 140162, MedGen C0027672, MeSH D009386, MONDO:0015356.

Submissions (2):

Labcorp Genetics (formerly Invitae), Labcorp
Classification: Uncertain significance for Hereditary breast ovarian cancer syndrome. Last evaluated: 2024-09-05. Review status: criteria provided, single submitter. Criteria: Invitae Variant Classification Sherloc (09022015). Collection method: clinical testing. Allele origin: germline.
Comment: This sequence change replaces phenylalanine, which is neutral and non-polar, with leucine, which is neutral and non-polar, at codon 701 of the BRCA2 protein (p.Phe701Leu). This variant is not present in population databases (gnomAD no frequency). This variant has not been reported in the literature in individuals affected with BRCA2-related conditions. ClinVar contains an entry for this variant (Variation ID: 2000860). Invitae Evidence Modeling of protein sequence and biophysical properties (such as structural, functional, and spatial information, amino acid conservation, physicochemical variation, residue mobility, and thermodynamic stability) indicates that this missense variant is not expected to disrupt BRCA2 protein function with a negative predictive value of 95%. In summary, the available evidence is currently insufficient to determine the role of this variant in disease. Therefore, it has been classified as a Variant of Uncertain Significance.

University of Washington Department of Laboratory Medicine, University of Washington
Classification: Likely benign for Hereditary cancer-predisposing syndrome. Last evaluated: 2023-03-23. Review status: criteria provided, single submitter. Criteria: Dines et al. (Genet Med. 2020). Collection method: curation. Allele origin: germline.
Comment: Missense variant in a coldspot region where missense variants are very unlikely to be pathogenic (PMID:31911673).

BRCA2 exon 11 coldspot. Reclassification based on statistical prior probability.